The following is an entry in ClinVar:

ClinVar aggregate classification (germline): Uncertain significance. Review status: criteria provided, multiple submitters, no conflicts (2 of 4 stars). 2 submissions from 2 submitters: Uncertain significance (2). Last evaluated 2025-06-10.

Conditions:
Inborn genetic diseases. Identifiers: MedGen C0950123, MeSH D030342.
CREBBP-related disorder. Also called: CREBBP-related disorders; CREBBP-related condition.

Submissions (2):

Ambry Genetics
Classification: Uncertain significance for Inborn genetic diseases. Last evaluated: 2025-06-10. Review status: criteria provided, single submitter. Criteria: Ambry Variant Classification Scheme 2023. Collection method: clinical testing. Allele origin: germline.

PreventionGenetics, part of Exact Sciences
Classification: Uncertain significance for CREBBP-related condition. Last evaluated: 2024-11-27. Review status: criteria provided, single submitter. Criteria: ACMG Guidelines, 2015. Collection method: clinical testing. Allele origin: germline.
Comment: The CREBBP c.3285G>A variant is predicted to result in the amino acid substitution p.Met1095Ile. To our knowledge, this variant has not been reported in the literature or in a large population database (gnomAD), indicating this variant is rare. At this time, the clinical significance of this variant is uncertain due to the absence of conclusive functional and genetic evidence.

NM_004380.3(CREBBP):c.3285G>A (p.Met1095Ile)

Gene: CREBBP (CREB binding lysine acetyltransferase; minus strand). Cytogenetic location: 16p13.3.
Variant type: single nucleotide variant.
Coding change: c.3285G>A on transcript NM_004380.3 (MANE Select); coding-DNA position 3285, G replaced by A.
Protein change: p.Met1095Ile; replaces methionine 1095 with isoleucine.
Molecular consequence: missense variant.
Genome position (GRCh38, 1-based): chr16:3,758,938, C>T on the plus strand (G>A on the coding strand, the complement: CREBBP is on the minus strand). VCF-style: chr16-3758938-C-T. GRCh37 (hg19) VCF-style: chr16-3808939-C-T.
Other names: c.3171G>A, p.Met1057Ile (NM_001079846.1); short protein forms M1095I, M1057I.
Identifiers: ClinVar variation 4006768 (VCV004006768.2).